The following is an entry in ClinVar:

ClinVar aggregate classification (germline): Benign. Review status: criteria provided, multiple submitters, no conflicts (2 of 4 stars). 8 submissions from 8 submitters: Benign (7). 1 of the submissions does not count toward it. Last evaluated 2026-02-04.

Conditions:
Usher syndrome type 2C. Also called: Usher syndrome, type 2B; USHER SYNDROME, TYPE IIC. Identifiers: Orphanet 231178, Orphanet 886, MedGen C2931213, MONDO:0011558, OMIM 605472.
Febrile seizures, familial, 4 (FEB4). Also called: CONVULSIONS, FAMILIAL FEBRILE, 4. Identifiers: MedGen C1858493, MONDO:0011443, OMIM 604352.

Allele frequency attached by ClinVar (database versions not stated): ESP Exome Variant Server 0.31810; gnomAD 0.33642 and 0.33794; gnomAD exomes 0.34500 and 0.36469; 1000 Genomes Project 0.34984; 1000 Genomes Project 30x 0.35041; TOPMed 0.35328; ExAC 0.38742.
gnomAD v4.1: 531,771 of 1,545,226 alleles (34%); highest among the groups gnomAD compares: Admixed American, 54%; 94,105 homozygotes.

Submissions (8):

Labcorp Genetics (formerly Invitae), Labcorp
Classification: Benign. Last evaluated: 2026-02-04. Review status: criteria provided, single submitter. Criteria: Invitae Variant Classification Sherloc (09022015). Collection method: clinical testing. Allele origin: germline.

Fulgent Genetics
Classification: Benign for Febrile seizures, familial, 4; Usher syndrome type 2C. Last evaluated: 2021-08-11. Review status: criteria provided, single submitter. Criteria: ACMG Guidelines, 2015. Collection method: clinical testing. Allele origin: unknown.

Mayo Clinic Laboratories, Mayo Clinic
Classification: Benign. Last evaluated: 2020-10-02. Review status: criteria provided, single submitter. Criteria: ACMG Guidelines, 2015. Collection method: clinical testing. Allele origin: germline. Observed: 98 variant alleles.

Illumina Laboratory Services, Illumina
Classification: Benign for Usher syndrome type 2C. Last evaluated: 2018-01-13. Review status: criteria provided, single submitter. Criteria: ICSL Variant Classification Criteria 13 December 2019. Collection method: clinical testing. Allele origin: germline.
Comment: This variant was observed in the ICSL laboratory as part of a predisposition screen in an ostensibly healthy population. It had not been previously curated by ICSL or reported in the Human Gene Mutation Database (HGMD: prior to June 1st, 2018), and was therefore a candidate for classification through an automated scoring system. Utilizing variant allele frequency, disease prevalence and penetrance estimates, and inheritance mode, an automated score was calculated to assess if this variant is too frequent to cause the disease. Based on the score and internal cut-off values, a variant classified as benign is not then subjected to further curation. The score for this variant resulted in a classification of benign for this disease.

GeneDx
Classification: Benign. Last evaluated: 2015-03-03. Review status: criteria provided, single submitter. Criteria: GeneDx Variant Classification Process June 2021. Collection method: clinical testing. Allele origin: germline. Affected: yes.

Laboratory for Molecular Medicine, Mass General Brigham Personalized Medicine
Classification: Benign. Last evaluated: 2010-03-23. Review status: criteria provided, single submitter. Criteria: LMM Criteria. Collection method: clinical testing. Allele origin: germline. Observed: 1,063 variant alleles.

PreventionGenetics, part of Exact Sciences
Classification: Benign. Review status: criteria provided, single submitter. Criteria: ACMG Guidelines, 2015. Collection method: clinical testing. Allele origin: germline.

Genetic Services Laboratory, University of Chicago
Classification: Likely benign. Review status: no assertion criteria provided. Collection method: clinical testing. Allele origin: germline. Inheritance: Autosomal dominant inheritance. Not counted in ClinVar's aggregate classification.
Comment: Likely benign based on allele frequency in 1000 Genomes Project or ESP global frequency and its presence in a patient with a rare or unrelated disease phenotype. NOT Sanger confirmed

NM_032119.4(ADGRV1):c.6695A>G (p.Tyr2232Cys)

Gene: ADGRV1 (adhesion G protein-coupled receptor V1; plus strand). Cytogenetic location: 5q14.3.
Variant type: single nucleotide variant.
Coding change: c.6695A>G on transcript NM_032119.4 (MANE Select); coding-DNA position 6695, A replaced by G.
Protein change: p.Tyr2232Cys; replaces tyrosine 2232 with cysteine.
Molecular consequence: missense variant. On other transcripts: non-coding transcript variant (1).
Genome position (GRCh38, 1-based): chr5:90,690,065, A>G. VCF-style: chr5-90690065-A-G. GRCh37 (hg19) VCF-style: chr5-89985882-A-G.
Other names: short protein forms Y2232C.
Identifiers: ClinVar variation 46356 (VCV000046356.25), dbSNP rs10037067, ClinGen allele CA138183.